The following is an entry in ClinVar:

ClinVar aggregate classification (germline): Uncertain significance. Review status: criteria provided, multiple submitters, no conflicts (2 of 4 stars). 2 submissions from 2 submitters: Uncertain significance (2). Last evaluated 2026-06-16.

Conditions:
CPE-related disorder. Also called: CPE-related condition.

Allele frequency attached by ClinVar (database versions not stated): gnomAD exomes below 0.00001; ExAC 0.00001; ESP Exome Variant Server 0.00008.
gnomAD v4.1: 5 of 1,613,898 alleles (0.00031%); highest among the groups gnomAD compares: African/African-American, 0.004%; no homozygotes.

Submissions (2):

PreventionGenetics, part of Exact Sciences
Classification: Uncertain significance for CPE-related condition. Last evaluated: 2026-06-16. Review status: criteria provided, single submitter. Criteria: ACMG Guidelines, 2015. Collection method: clinical testing. Allele origin: germline.
Comment: The CPE c.719C>G variant is predicted to result in the amino acid substitution p.Pro240Arg. To our knowledge, this variant has not been reported in the literature. This variant is reported in 0.0080% of alleles in individuals of African descent in gnomAD. At this time, the clinical significance of this variant is uncertain due to the absence of conclusive functional and genetic evidence.

Labcorp Genetics (formerly Invitae), Labcorp
Classification: Uncertain significance. Last evaluated: 2022-04-23. Review status: criteria provided, single submitter. Criteria: Invitae Variant Classification Sherloc (09022015). Collection method: clinical testing. Allele origin: germline.
Comment: The frequency data for this variant in the population databases is considered unreliable, as metrics indicate poor data quality at this position in the gnomAD database. In summary, the available evidence is currently insufficient to determine the role of this variant in disease. Therefore, it has been classified as a Variant of Uncertain Significance. Algorithms developed to predict the effect of missense changes on protein structure and function are either unavailable or do not agree on the potential impact of this missense change (SIFT: "Not Available"; PolyPhen-2: "Probably Damaging"; Align-GVGD: "Not Available"). This variant has not been reported in the literature in individuals affected with CPE-related conditions. This sequence change replaces proline, which is neutral and non-polar, with arginine, which is basic and polar, at codon 240 of the CPE protein (p.Pro240Arg).

NM_001873.4(CPE):c.719C>G (p.Pro240Arg)

Gene: CPE (carboxypeptidase E; plus strand). Cytogenetic location: 4q32.3.
Variant type: single nucleotide variant.
Coding change: c.719C>G on transcript NM_001873.4 (MANE Select); coding-DNA position 719, C replaced by G.
Protein change: p.Pro240Arg; replaces proline 240 with arginine.
Molecular consequence: missense variant.
Genome position (GRCh38, 1-based): chr4:165,482,288, C>G. VCF-style: chr4-165482288-C-G. GRCh37 (hg19) VCF-style: chr4-166403440-C-G.
Other names: c.719C>G (NM_001873.3); short protein forms P240R.
Identifiers: ClinVar variation 1941036 (VCV001941036.6), dbSNP rs371049668, ClinGen allele CA3130262.